The following is an entry in ClinVar:

ClinVar aggregate classification (germline): Uncertain significance (1 of 4 stars; one submission).

Submission:

Labcorp Genetics (formerly Invitae), Labcorp
Classification: Uncertain significance. Last evaluated: 2022-08-07. Review status: criteria provided, single submitter. Criteria: Invitae Variant Classification Sherloc (09022015). Collection method: clinical testing. Allele origin: germline.
Comment: In summary, the available evidence is currently insufficient to determine the role of this variant in disease. Therefore, it has been classified as a Variant of Uncertain Significance. Algorithms developed to predict the effect of sequence changes on RNA splicing suggest that this variant may disrupt the consensus splice site. This variant has not been reported in the literature in individuals affected with IFT88-related conditions. This variant is not present in population databases (gnomAD no frequency). This sequence change falls in intron 3 of the IFT88 gene. It does not directly change the encoded amino acid sequence of the IFT88 protein.

NM_006531.5(IFT88):c.-6-12A>G

Gene: IFT88 (intraflagellar transport 88; plus strand). Cytogenetic location: 13q12.11.
Variant type: single nucleotide variant.
Coding change: c.-6-12A>G on transcript NM_006531.5 (MANE Select); 12 bases into the intron before 6 bases upstream of the start codon, A replaced by G.
Molecular consequence: intron variant.
Genome position (GRCh38, 1-based): chr13:20,574,368, A>G. VCF-style: chr13-20574368-A-G. GRCh37 (hg19) VCF-style: chr13-21148507-A-G.
Other names: c.22-12A>G (NM_001318493.2, NM_175605.5, NM_001353570.2 and 6 more transcripts); c.-6-12A>G (NM_001353568.2, NM_001353572.2, NM_001353571.2 and 5 more transcripts); c.-569-12A>G (NM_001353579.2).
Identifiers: ClinVar variation 2022621 (VCV002022621.4), dbSNP rs2547861550, ClinGen allele CA2580086793.